The following is an entry in ClinVar:

NM_001399.5(EDA):c.742-14T>G

Gene: EDA (ectodysplasin A; plus strand). Cytogenetic location: Xq13.1.
Variant type: single nucleotide variant.
Coding change: c.742-14T>G on transcript NM_001399.5 (MANE Select); 14 bases into the intron before coding-DNA position 742, T replaced by G.
Molecular consequence: intron variant.
Genome position (GRCh38, 1-based): chrX:70,030,455, T>G. VCF-style: chrX-70030455-T-G. GRCh37 (hg19) VCF-style: chrX-69250305-T-G.
Other names: c.742-14T>G (NM_001005609.2, NM_001005612.3).
Identifiers: ClinVar variation 179283 (VCV000179283.6), dbSNP rs727504762, ClinGen allele CA184118.

ClinVar aggregate classification (germline): Conflicting classifications of pathogenicity. Review status: criteria provided, conflicting classifications (1 of 4 stars). 2 submissions from 2 submitters: Likely pathogenic (1); Uncertain significance (1). Last evaluated 2026-06-05.

Conditions:
Hypohidrotic X-linked ectodermal dysplasia (XHED). Also called: ECTODERMAL DYSPLASIA, HYPOHIDROTIC, 1; CST SYNDROME; Ectodermal Dysplasia 1, Anhidrotic; ECTODERMAL DYSPLASIA 1; ECTODERMAL DYSPLASIA 1, HYPOHIDROTIC, X-LINKED; ECTODERMAL DYSPLASIA 1, HYPOHIDROTIC/HAIR/TOOTH TYPE, X-LINKED. Identifiers: Orphanet 181, Orphanet 238468, MedGen C0162359, MONDO:0010585, OMIM 305100.

Submissions (2):

Lupski Lab, Baylor-Hopkins CMG, Baylor College of Medicine
Classification: Likely pathogenic for Hypohidrotic X-linked ectodermal dysplasia. Last evaluated: 2026-06-05. Review status: criteria provided, single submitter. Criteria: ACMG Guidelines, 2015. Collection method: research. Allele origin: de novo. Inheritance: X-linked inheritance. Affected: yes. Observed: 1 variant allele, 1 hemizygote.
Comment: This variant is absent in gnomAD (PM2_Supporting= +1pt). We have a minigene assay showing that the splice variant results in exon 6 skipping (SpliceAI = 0.52). Exon 6 is 52 bp, which would result in a frameshift and introduction of a premature stop codon; this event would be predicted to trigger NMD. Another publication describing an EDA:c.793+3A>C variant that also results in exon 6 skipping, and patient RNA studies demonstrate this deletion results in a premature termination codon due to a frameshift (p.Pro248IlefsTer15) (doi: DOI 10.3389/jcia.2025.13813) (PVS1_Strong: +4pts; PMID: 37352859). 9 pts (PS2 +4, PM2 +1, PVS1 +4).

Laboratory for Molecular Medicine, Mass General Brigham Personalized Medicine
Classification: Uncertain significance. Last evaluated: 2021-08-12. Review status: criteria provided, single submitter. Criteria: ACMG Guidelines, 2015. Collection method: clinical testing. Allele origin: germline.
Comment: The c.742-14T>G variant in EDA has not been previously reported in individuals with hypohidrotic ectodermal dysplasia and was absent from large population studies. This variant is located in the 3' splice region. Computational tools do not predict a splicing impact, though this information is not predictive enough to rule out pathogenicity. In summary, the clinical significance of this variant is uncertain. ACMG/AMP Criteria applied: PM2_Supporting, PM6.

Literature cited by the submitters: DOI https (cited by Lupski Lab, Baylor-Hopkins CMG, Baylor College of Medicine); PubMed 37352859 (cited by Lupski Lab, Baylor-Hopkins CMG, Baylor College of Medicine).